The following is an entry in ClinVar:

ClinVar aggregate classification (germline): Uncertain significance (1 of 4 stars; one submission).

Allele frequency attached by ClinVar (database versions not stated): TOPMed below 0.00001; gnomAD 0.00001; gnomAD exomes 0.00001; ExAC 0.00002; ESP Exome Variant Server 0.00017.
gnomAD v4.1: 49 of 1,613,202 alleles (0.003%); highest among the groups gnomAD compares: Non-Finnish European, 0.0041%; no homozygotes.

Submission:

Labcorp Genetics (formerly Invitae), Labcorp
Classification: Uncertain significance. Last evaluated: 2025-06-04. Review status: criteria provided, single submitter. Criteria: Invitae Variant Classification Sherloc (09022015). Collection method: clinical testing. Allele origin: germline.
Comment: This sequence change replaces isoleucine, which is neutral and non-polar, with valine, which is neutral and non-polar, at codon 351 of the EFL1 protein (p.Ile351Val). This variant is present in population databases (rs370903867, gnomAD 0.003%). This variant has not been reported in the literature in individuals affected with EFL1-related conditions. ClinVar contains an entry for this variant (Variation ID: 1469945). Invitae Evidence Modeling of protein sequence and biophysical properties (such as structural, functional, and spatial information, amino acid conservation, physicochemical variation, residue mobility, and thermodynamic stability) indicates that this missense variant is not expected to disrupt EFL1 protein function with a negative predictive value of 80%. In summary, the available evidence is currently insufficient to determine the role of this variant in disease. Therefore, it has been classified as a Variant of Uncertain Significance.

NM_024580.6(EFL1):c.1051A>G (p.Ile351Val)

Gene: EFL1 (elongation factor like GTPase 1; minus strand). Cytogenetic location: 15q25.2.
Variant type: single nucleotide variant.
Coding change: c.1051A>G on transcript NM_024580.6 (MANE Select); coding-DNA position 1051, A replaced by G.
Protein change: p.Ile351Val; replaces isoleucine 351 with valine.
Molecular consequence: missense variant. On other transcripts: non-coding transcript variant (1).
Genome position (GRCh38, 1-based): chr15:82,228,209, T>C on the plus strand (A>G on the coding strand, the complement: EFL1 is on the minus strand). VCF-style: chr15-82228209-T-C. GRCh37 (hg19) VCF-style: chr15-82520550-T-C.
Other names: c.898A>G, p.Ile300Val (NM_001040610.3); c.262A>G, p.Ile88Val (NM_001322844.2); c.1051A>G, p.Ile351Val (NM_001322845.2); short protein forms I300V, I88V, I351V.
Identifiers: ClinVar variation 1469945 (VCV001469945.8), dbSNP rs370903867, ClinGen allele CA7698110.
Genomic context (GRCh38, chr15:82,228,209, plus strand): 5'-TATCAAAACTATTTCATTAAAAACCATTAGAATAAAGGATACCAAGAACAGCATGGGATA[T>C]GGGTAGCCACTGACTGCAAATGGCGTTGATCTGAACTTTAGGGTCTGAATGTCGTGCCTC-3'
Protein context (NP_078856.4, residues 341-361): INAICSQWLP[Ile351Val]SHAVLAMVCQ